The following is an entry in ClinVar:

NM_006941.4(SOX10):c.1162_1163insCC (p.Tyr388fs)

Genes: POLR2F (RNA polymerase II, I and III subunit F; plus strand), SOX10 (SRY-box transcription factor 10; minus strand). Cytogenetic location: 22q13.1.
Variant type: Insertion.
Coding change: c.1162_1163insCC on transcript NM_006941.4 (MANE Select); coding-DNA positions 1162 to 1163, CC inserted.
Protein change: p.Tyr388fs; shifts the reading frame from tyrosine 388.
Molecular consequence: frameshift variant. On other transcripts: intron variant (3).
Genome position: GRCh38 VCF-style: chr22-37973733-T-TGG. GRCh37 (hg19) VCF-style: chr22-38369740-T-TGG.
Other names: c.*38+1423_*38+1424insGG (NM_001363825.1); c.293+6563_293+6564insGG (NM_001301130.2, NM_001301131.2); short protein forms Y388fs.
Identifiers: ClinVar variation 3601803 (VCV003601803.1).

ClinVar aggregate classification (germline): Likely pathogenic (1 of 4 stars; one submission).

Conditions:
Waardenburg syndrome type 4C (WS4C). Also called: WAARDENBURG SYNDROME WITH HIRSCHSPRUNG DISEASE, TYPE 4C. Identifiers: Orphanet 897, MedGen C2750452, MONDO:0013202, OMIM 613266.

Submission:

Institute of Rare Diseases, West China Hospital, Sichuan University
Classification: Likely pathogenic for Waardenburg syndrome type 4C. Last evaluated: 2025-01-09. Review status: criteria provided, single submitter. Criteria: ClinGen HL ACMG Specifications v1. Collection method: research. Allele origin: germline. Affected: yes.
Comment: PVS1;PM2_Supporting